The following is an entry in ClinVar:

NM_017636.4(TRPM4):c.2274C>G (p.Cys758Trp)

Gene: TRPM4 (transient receptor potential cation channel subfamily M member 4; plus strand). Cytogenetic location: 19q13.33.
Variant type: single nucleotide variant.
Coding change: c.2274C>G on transcript NM_017636.4 (MANE Select); coding-DNA position 2274, C replaced by G.
Protein change: p.Cys758Trp; replaces cysteine 758 with tryptophan.
Molecular consequence: missense variant. On other transcripts: intron variant (1).
Genome position (GRCh38, 1-based): chr19:49,196,503, C>G. VCF-style: chr19-49196503-C-G. GRCh37 (hg19) VCF-style: chr19-49699760-C-G.
Other names: c.1929C>G, p.Cys643Trp (NM_001321281.2); c.666C>G, p.Cys222Trp (NM_001321282.2); c.1752C>G, p.Cys584Trp (NM_001321283.2); c.1212C>G, p.Cys404Trp (NM_001321285.2); c.2211-3797C>G (NM_001195227.2); short protein forms C222W, C584W, C643W, C758W, C404W.
Identifiers: ClinVar variation 893740 (VCV000893740.6), dbSNP rs777409336, ClinGen allele CA9569518.
Genomic context (GRCh38, chr19:49,196,503, plus strand): 5'-GGCGGACCCAGCCGAGAAGACGCCGCTGGGGGTCCCGCGCCAGTCGGGCCGTCCGGGTTG[C>G]TGCGGGGGCCGCTGCGGGGGGCGCCGGTGCCTACGCCGCTGGTTCCACTTCTGGGGCGCG-3'
Protein context (NP_060106.2, residues 748-768): GVPRQSGRPG[Cys758Trp]CGGRCGGRRC

ClinVar aggregate classification (germline): Uncertain significance. Review status: criteria provided, multiple submitters, no conflicts (2 of 4 stars). 2 submissions from 2 submitters: Uncertain significance (2). Last evaluated 2021-10-29.

Conditions:
Progressive familial heart block type IB (PFHB1B). Identifiers: Orphanet 871, MedGen C1970298, MONDO:0011474, OMIM 604559.
Cardiovascular phenotype. Identifiers: MedGen CN230736.

Allele frequency attached by ClinVar (database versions not stated): gnomAD exomes 0.00001; gnomAD 0.00002.
gnomAD v4.1: 5 of 1,534,724 alleles (0.00033%); highest among the groups gnomAD compares: East Asian, 0.0072%; no homozygotes.

Submissions (2):

Ambry Genetics
Classification: Uncertain significance for Cardiovascular phenotype. Last evaluated: 2021-10-29. Review status: criteria provided, single submitter. Criteria: Ambry Variant Classification Scheme 2023. Collection method: clinical testing. Allele origin: germline.
Comment: The p.C758W variant (also known as c.2274C>G), located in coding exon 17 of the TRPM4 gene, results from a C to G substitution at nucleotide position 2274. The cysteine at codon 758 is replaced by tryptophan, an amino acid with highly dissimilar properties. This amino acid position is conserved. In addition, this alteration is predicted to be tolerated by in silico analysis. Since supporting evidence is limited at this time, the clinical significance of this alteration remains unclear.

Illumina Laboratory Services, Illumina
Classification: Uncertain significance for Progressive familial heart block type IB. Last evaluated: 2018-01-13. Review status: criteria provided, single submitter. Criteria: ICSL Variant Classification Criteria 13 December 2019. Collection method: clinical testing. Allele origin: germline.